The following is an entry in ClinVar:

ClinVar aggregate classification (germline): Pathogenic. Review status: criteria provided, multiple submitters, no conflicts (2 of 4 stars). 7 submissions from 7 submitters: Pathogenic (5). 2 of the submissions do not count toward it. Last evaluated 2025-08-17.

Conditions:
SUMF1-related disorder. Also called: SUMF1-related condition.
Multiple sulfatase deficiency (MSD). Also called: Mucosulfatidosis; Sulfatidosis, Juvenile, Austin Type; Multiple Sulfatase Deficiency Disease. Identifiers: Orphanet 585, MedGen C0268263, MONDO:0010088, OMIM 272200.

Allele frequency attached by ClinVar (database versions not stated): gnomAD exomes below 0.00001 and 0.00001; gnomAD 0.00001.
gnomAD v4.1: 10 of 1,614,004 alleles (0.00062%); highest among the groups gnomAD compares: East Asian, 0.0045%; no homozygotes.

Submissions (7):

Department of Molecular Genetics, Istishari Arab Hospital
Classification: Pathogenic for Multiple sulfatase deficiency. Last evaluated: 2025-08-17. Review status: criteria provided, single submitter. Criteria: ACMG Guidelines, 2015. Collection method: clinical testing. Allele origin: germline. Inheritance: Autosomal recessive inheritance. Affected: yes.
Comment: The SUMF1 variant c.1033C>T, p.Arg345Cys causes an amino acid change from Arg to Cys at position 345 in exon(s) no. 9 (of 9). This variant was previously reported in patients with Multiple sulfatase deficiency (PMID: 30896912, 21224894, 12757706). It is observed at an extremely low frequency in the gnomAD v4.1.0 dataset (total allele frequency: <0.001%). It is classified as pathogenic (Class 2) based on ACMG guidelines.

Labcorp Genetics (formerly Invitae), Labcorp
Classification: Pathogenic for Multiple sulfatase deficiency. Last evaluated: 2023-12-04. Review status: criteria provided, single submitter. Criteria: Invitae Variant Classification Sherloc (09022015). Collection method: clinical testing. Allele origin: germline.
Comment: This sequence change replaces arginine, which is basic and polar, with cysteine, which is neutral and slightly polar, at codon 345 of the SUMF1 protein (p.Arg345Cys). This variant is present in population databases (rs137852852, gnomAD 0.01%). This missense change has been observed in individual(s) with multiple sulfatase deficiency (PMID: 12757706, 21224894). ClinVar contains an entry for this variant (Variation ID: 2675). Advanced modeling of protein sequence and biophysical properties (such as structural, functional, and spatial information, amino acid conservation, physicochemical variation, residue mobility, and thermodynamic stability) performed at Invitae indicates that this missense variant is expected to disrupt SUMF1 protein function with a positive predictive value of 80%. Experimental studies have shown that this missense change affects SUMF1 function (PMID: 21224894). For these reasons, this variant has been classified as Pathogenic.

Blueprint Genetics
Classification: Pathogenic for SUMF1-related disorders. Last evaluated: 2023-09-21. Review status: criteria provided, single submitter. Criteria: ACMG Guidelines, 2015. Collection method: clinical testing. Allele origin: germline. Affected: yes. Observed: 2 variant alleles.

Neuberg Centre For Genomic Medicine, NCGM
Classification: Pathogenic for Multiple sulfatase deficiency. Last evaluated: 2023-02-14. Review status: criteria provided, single submitter. Criteria: ACMG Guidelines, 2015. Collection method: clinical testing. Allele origin: germline. Inheritance: Autosomal recessive inheritance. Affected: yes.
Comment: The missense c.1033C>T(p.Arg345Cys) variant in SUMF1 gene has been reported in homozygous state in multiple individual affected with multiple sulfatase deficiency (Schlotawa L, et. al., 2011; Cosma MP, et. al., 2003). Experimental studies have shown disruption of protein (Schlotawa L, et. al., 2011). The variant is reported with an allele frequency of 0.0004% in the gnomAD exomes database and is novel (not in any individuals) in 1000 Genomes database. This variant has been reported to the ClinVar database as Pathogenic. The amino acid change p.Arg345Cys in SUMF1 is predicted as conserved by GERP++ and PhyloP across 100 vertebrates. The amino acid Arg at position 345 is changed to a Cys changing protein sequence and it might alter its composition and physico-chemical properties. For these reasons, this variant has been classified as Pathogenic.

Fulgent Genetics
Classification: Pathogenic for Multiple sulfatase deficiency. Last evaluated: 2021-11-11. Review status: criteria provided, single submitter. Criteria: ACMG Guidelines, 2015. Collection method: clinical testing. Allele origin: unknown.

OMIM
Classification: Pathogenic for MULTIPLE SULFATASE DEFICIENCY. Last evaluated: 2011-03-01. Review status: no assertion criteria provided. Collection method: literature only. Allele origin: germline. Not counted in ClinVar's aggregate classification.

GeneReviews
No classification provided. Condition: Multiple sulfatase deficiency. Review status: no classification provided. Collection method: literature only. Allele origin: germline. Not counted in ClinVar's aggregate classification.

Literature cited by the submitters: PubMed 30896912 (cited by Department of Molecular Genetics, Istishari Arab Hospital and GeneReviews); PubMed 21224894 (cited by 3 submitters); PubMed 12757706 (cited by 3 submitters); NCBI Bookshelf NBK538937 (cited by GeneReviews).

NM_182760.4(SUMF1):c.1033C>T (p.Arg345Cys)

Gene: SUMF1 (sulfatase modifying factor 1; minus strand). Cytogenetic location: 3p26.1.
Variant type: single nucleotide variant.
Coding change: c.1033C>T on transcript NM_182760.4 (MANE Select); coding-DNA position 1033, C replaced by T.
Protein change: p.Arg345Cys; replaces arginine 345 with cysteine.
Molecular consequence: missense variant.
Genome position (GRCh38, 1-based): chr3:4,362,236, G>A on the plus strand (C>T on the coding strand, the complement: SUMF1 is on the minus strand). VCF-style: chr3-4362236-G-A. GRCh37 (hg19) VCF-style: chr3-4403920-G-A.
Other names: c.958C>T, p.Arg320Cys (NM_001164674.2); c.973C>T, p.Arg325Cys (NM_001164675.2); short protein forms R345C, R325C, R320C.
Identifiers: ClinVar variation 2675 (VCV000002675.13), dbSNP rs137852852, ClinGen allele CA115678.